The following is an entry in ClinVar:

ClinVar aggregate classification (germline): Pathogenic. Review status: criteria provided, multiple submitters, no conflicts (2 of 4 stars). 2 submissions from 2 submitters: Pathogenic (2). Last evaluated 2026-02-24.

Conditions:
PKD2-related disorder. Also called: PKD2-related condition.
Polycystic kidney disease 2 (PKD2). Also called: Polycystic Kidney Disease 2, Autosomal Dominant; POLYCYSTIC KIDNEY DISEASE, ADULT, TYPE II; POLYCYSTIC KIDNEY DISEASE 2 WITH OR WITHOUT POLYCYSTIC LIVER DISEASE. Identifiers: MedGen C2751306, MONDO:0013131, OMIM 613095.

Submissions (2):

Victorian Clinical Genetics Services, Murdoch Childrens Research Institute
Classification: Pathogenic for Polycystic kidney disease 2. Last evaluated: 2026-02-24. Review status: criteria provided, single submitter. Criteria: ACMG Guidelines, 2015. Collection method: clinical testing. Allele origin: germline. Affected: yes.
Comment: This variant is classified as Pathogenic. Evidence in support of pathogenic classification: Variant is predicted to cause nonsense-mediated decay (NMD) and loss of protein (premature termination codon is located at least 54 nucleotides upstream of the final exon-exon junction); Variant is absent from gnomAD (v2, v3 and v4); Other NMD-predicted variant(s) comparable to the one identified in this case have very strong previous evidence for pathogenicity (ClinVar). Additional information: This variant is heterozygous; This gene is associated with autosomal dominant disease; This variant has no previous evidence of pathogenicity; No published evidence of segregation with disease has been identified for this variant; No published functional evidence has been identified for this variant; Loss of function is a known mechanism of disease in this gene and is associated with polycystic kidney disease 2 (MIM#613095); Inheritance information for this variant is not currently available in this individual.

PreventionGenetics, part of Exact Sciences
Classification: Pathogenic for PKD2-related condition. Last evaluated: 2024-10-31. Review status: criteria provided, single submitter. Criteria: ACMG Guidelines, 2015. Collection method: clinical testing. Allele origin: germline.
Comment: The PKD2 c.1693dupA variant is predicted to result in a frameshift and premature protein termination (p.Thr565Asnfs*8). To our knowledge, this variant has not been reported in the literature or in a large population database (gnomAD), indicating this variant is rare. Frameshift variants in PKD2 are expected to be pathogenic. This variant is interpreted as pathogenic.

NM_000297.4(PKD2):c.1693dup (p.Thr565fs)

Gene: PKD2 (polycystin 2, transient receptor potential cation channel; plus strand). Cytogenetic location: 4q22.1.
Variant type: Duplication.
Coding change: c.1693dup on transcript NM_000297.4 (MANE Select); coding-DNA position 1693, one base duplicated (A; older notation c.1693dupA).
Protein change: p.Thr565fs; shifts the reading frame from threonine 565.
Molecular consequence: frameshift variant. On other transcripts: non-coding transcript variant (1).
Genome position (GRCh38, 1-based): chr4:88,052,135, A duplicated. VCF-style (leftmost placement, unchanged base first): chr4-88052134-C-CA. GRCh37 (hg19) VCF-style: chr4-88973286-C-CA.
Other names: c.1693dupA (NM_000297.3); c.1468dup, p.Thr490fs (NM_001440544.1); short protein forms T490fs, T565fs.
Identifiers: ClinVar variation 4879721 (VCV004879721.2).